The following continues an entry in ClinVar:

NM_002834.5(PTPN11):c.188A>G (p.Tyr63Cys)

Gene: PTPN11. ClinVar aggregate classification (germline): Pathogenic. Pathogenic (1). ClinVar aggregate classification (somatic clinical impact): Tier II - Potential.

Submissions 50 to 59 of 59:

Rady Children's Institute for Genomic Medicine, Rady Children's Hospital San Diego
Classification: Pathogenic for PTPN11-Related Disorders. Review status: criteria provided, single submitter. Criteria: ACMG Guidelines, 2015. Collection method: clinical testing. Allele origin: germline. Affected: yes. Not counted in ClinVar's aggregate classification.
Comment: This variant has been previously reported as a heterozygous change in patients with PTPN11-related disorders (PMID: 16498234, 12634870, 12325025, 11704759, 21407260). Functional studies suggest that this variant impacts protein structure, resulting in increased protein activity (PMID: 22711529). The c.188A>G (p.Tyr63Cys) variant is present in the heterozygous state in the gnomAD population database at a frequency of 0.001% (3/251010) and thus is presumed to be rare. Based on the available evidence, the c.188A>G (p.Tyr63Cys) variant is classified as Pathogenic.

Clinical Genetics Laboratory, University Hospital Schleswig-Holstein
Classification: Pathogenic for Noonan syndrome 1. Last evaluated: 2024-04-11. Review status: no assertion criteria provided. Collection method: clinical testing. Allele origin: germline. Affected: yes. Not counted in ClinVar's aggregate classification.

Zotz-Klimas Genetics Lab, MVZ Zotz Klimas
Classification: Pathogenic for Noonan syndrome 1. Last evaluated: 2023-11-02. Review status: no assertion criteria provided. Collection method: clinical testing. Allele origin: germline. Affected: yes. Not counted in ClinVar's aggregate classification.

Greenwood Genetic Center Diagnostic Laboratories, Greenwood Genetic Center
Classification: Pathogenic. Last evaluated: 2015-01-15. Review status: no assertion criteria provided. Collection method: clinical testing. Allele origin: germline. Not counted in ClinVar's aggregate classification.

OMIM
Classification: Pathogenic for NOONAN SYNDROME 1. Last evaluated: 2007-06-01. Review status: no assertion criteria provided. Collection method: literature only. Allele origin: germline. Not counted in ClinVar's aggregate classification.

Baylor Genetics
Classification: Pathogenic for Rasopathy. Review status: no assertion criteria provided. Collection method: clinical testing. Allele origin: unknown. Affected: yes. Not counted in ClinVar's aggregate classification.
Comment: Variant classified using ACMG guidelines

Division of Human Genetics, National Health Laboratory Service/University of the Witwatersrand
Classification: Pathogenic for Noonan syndrome 1. Review status: no assertion criteria provided. Collection method: research. Allele origin: unknown. Affected: yes. Observed: 1 variant allele. Not counted in ClinVar's aggregate classification.

Genome Diagnostics Laboratory, University Medical Center Utrecht
Classification: Pathogenic. Review status: no assertion criteria provided. Collection method: clinical testing. Allele origin: germline. Affected: yes. Study: VKGL Data-share Consensus. Not counted in ClinVar's aggregate classification.

Joint Genome Diagnostic Labs from Nijmegen and Maastricht, Radboudumc and MUMC+
Classification: Pathogenic. Review status: no assertion criteria provided. Collection method: clinical testing. Allele origin: germline. Affected: yes. Study: VKGL Data-share Consensus. Not counted in ClinVar's aggregate classification.

Neuberg Centre For Genomic Medicine, NCGM
Classification: Uncertain significance for Noonan syndrome 1. Last evaluated: 2023-02-14. Review status: flagged submission. Criteria: ACMG Guidelines, 2015. Collection method: clinical testing. Allele origin: germline. Inheritance: Autosomal dominant inheritance. Affected: yes. Not counted in ClinVar's aggregate classification.
Comment: The missense c.188A>G(p.Tyr63Cys) variant in PTPN11 gene has been reported previously in heterozygous state in individual(s) affected with Noonan syndrome (Takahashi et al., 2006). Experimental studies have shown that this missense change affects PTPN11 function (Martinelli S et al., 2012). This variant is reported with the allele frequency of 0.001% in the gnomAD Exomes and novel in 1000 Genomes. This variant has been reported to the ClinVar database as Pathogenic by multiple submitters. The amino acid Tyr at position 63 is changed to a Cys changing protein sequence and it might alter its composition and physico-chemical properties. The amino acid change p.Tyr63Cys in PTPN11 is predicted as conserved by GERP++ and PhyloP across 100 vertebrates. The variant is predicted as damaging by SIFT. For these reasons, this variant has been classified as Pathogenic.
ClinVar note: Reason: Conflicts with expert reviewed submission without evidence to support different classification

Literature cited by the submitters: PubMed 12634870 (cited by 6 submitters); PubMed 22711529 (cited by 8 submitters); PubMed 16498234 (cited by 8 submitters); PubMed 11704759 (cited by 11 submitters); PubMed 24219368 (cited by 3 submitters); PubMed 12325025 (cited by 10 submitters); PubMed 11992261 (cited by 7 submitters); PubMed 12960218 (cited by 3 submitters); PubMed 21407260 (cited by 6 submitters); PubMed 29493581 (cited by Variantyx, Inc. and Division of Genetic & Genomic Pathology, Hong Kong Children's Hospital); PubMed 20301303 (cited by Victorian Clinical Genetics Services, Murdoch Childrens Research Institute); PubMed 21533187 (cited by Victorian Clinical Genetics Services, Murdoch Childrens Research Institute); PubMed 24935154 (cited by Victorian Clinical Genetics Services, Murdoch Childrens Research Institute); PubMed 32164556 (cited by Dasa and AiLife Diagnostics); PubMed 26242988 (cited by 3 submitters); PubMed 15834506 (cited by Institute for Genomic Medicine (IGM) Clinical Laboratory, Nationwide Children's Hospital); PubMed 14644997 (cited by 3 submitters); PubMed 28912153 (cited by Institute for Genomic Medicine (IGM) Clinical Laboratory, Nationwide Children's Hospital); PubMed 23817572 (cited by Institute for Genomic Medicine (IGM) Clinical Laboratory, Nationwide Children's Hospital); PubMed 19621452 (cited by Institute for Genomic Medicine (IGM) Clinical Laboratory, Nationwide Children's Hospital); PubMed 28328117 (cited by Institute for Genomic Medicine (IGM) Clinical Laboratory, Nationwide Children's Hospital); PubMed 30417923 (cited by AiLife Diagnostics); PubMed 31560489 (cited by AiLife Diagnostics); PubMed 24803665 (cited by AiLife Diagnostics and Athena Diagnostics); PubMed 29907801 (cited by AiLife Diagnostics); PubMed 30055033 (cited by AiLife Diagnostics); PubMed 31219622 (cited by AiLife Diagnostics); PubMed 32371413 (cited by AiLife Diagnostics); PubMed 25156961 (cited by AiLife Diagnostics and Athena Diagnostics); PubMed 32901917 (cited by AiLife Diagnostics); PubMed 30692697 (cited by AiLife Diagnostics); PubMed 34008892 (cited by Laboratory of Medical Genetics, National & Kapodistrian University of Athens); PubMed 26817465 (cited by Athena Diagnostics); PubMed 24451042 (cited by Athena Diagnostics); PubMed 26084119 (cited by Athena Diagnostics); PubMed 22465605 (cited by Athena Diagnostics); PubMed 25337068 (cited by Athena Diagnostics); PubMed 27104176 (cited by Athena Diagnostics); PubMed 23624134 (cited by Athena Diagnostics); PubMed 19077116 (cited by Athena Diagnostics); PubMed 26456833 (cited by Athena Diagnostics); PubMed 24037001 (cited by Athena Diagnostics); PubMed 23771920 (cited by Athena Diagnostics); PubMed 26495027 (cited by Athena Diagnostics); PubMed 25862627 (cited by Athena Diagnostics); PubMed 26607044 (cited by Athena Diagnostics); PubMed 27038324 (cited by Athena Diagnostics); PubMed 24458522 (cited by Athena Diagnostics); PubMed 15001945 (cited by Athena Diagnostics); PubMed 22420426 (cited by Athena Diagnostics and Laboratory for Molecular Medicine, Mass General Brigham Personalized Medicine); PubMed 17497712 (cited by 3 submitters); PubMed 12161469 (cited by 4 submitters); PubMed 15928039 (cited by Laboratory for Molecular Medicine, Mass General Brigham Personalized Medicine).